The following is an entry in ClinVar:

ClinVar aggregate classification (germline): Uncertain significance (1 of 4 stars; one submission).

Conditions:
Primary ciliary dyskinesia. Also called: Ciliary dyskinesia. Identifiers: Orphanet 244, MedGen C0008780, MONDO:0016575, HP:0012265.

Allele frequency attached by ClinVar (database versions not stated): ExAC 0.00002; gnomAD exomes 0.00002 and 0.00003; TOPMed 0.00004; gnomAD 0.00005 and 0.00006.
gnomAD v4.1: 18 of 1,609,348 alleles (0.0011%); highest among the groups gnomAD compares: Admixed American, 0.025%; 1 homozygote.

Submission:

Labcorp Genetics (formerly Invitae), Labcorp
Classification: Uncertain significance for Primary ciliary dyskinesia. Last evaluated: 2021-08-28. Review status: criteria provided, single submitter. Criteria: Invitae Variant Classification Sherloc (09022015). Collection method: clinical testing. Allele origin: germline.
Comment: This sequence change replaces aspartic acid with glycine at codon 2197 of the DNAH5 protein (p.Asp2197Gly). The aspartic acid residue is highly conserved and there is a moderate physicochemical difference between aspartic acid and glycine. The frequency data for this variant in the population databases is considered unreliable, as metrics indicate poor data quality at this position in the ExAC database. This variant has not been reported in the literature in individuals affected with DNAH5-related conditions. Algorithms developed to predict the effect of missense changes on protein structure and function are either unavailable or do not agree on the potential impact of this missense change (SIFT: "Deleterious"; PolyPhen-2: "Possibly Damaging"; Align-GVGD: "Class C0"). Algorithms developed to predict the effect of sequence changes on RNA splicing suggest that this variant may create or strengthen a splice site. In summary, the available evidence is currently insufficient to determine the role of this variant in disease. Therefore, it has been classified as a Variant of Uncertain Significance.

NM_001369.3(DNAH5):c.6590A>G (p.Asp2197Gly)

Gene: DNAH5 (dynein axonemal heavy chain 5; minus strand). Cytogenetic location: 5p15.2.
Variant type: single nucleotide variant.
Coding change: c.6590A>G on transcript NM_001369.3 (MANE Select); coding-DNA position 6590, A replaced by G.
Protein change: p.Asp2197Gly; replaces aspartic acid 2197 with glycine.
Molecular consequence: missense variant.
Genome position (GRCh38, 1-based): chr5:13,823,360, T>C on the plus strand (A>G on the coding strand, the complement: DNAH5 is on the minus strand). VCF-style: chr5-13823360-T-C. GRCh37 (hg19) VCF-style: chr5-13823469-T-C.
Other names: short protein forms D2197G.
Identifiers: ClinVar variation 958573 (VCV000958573.6), dbSNP rs766882502, ClinGen allele CA3203338.
Genomic context (GRCh38, chr5:13,823,360, plus strand): 5'-GCCTTGTCCAGAAGAATATTTGGAAAGAGATCTTCAATCAAACTCAAAAACAAGGGTTCA[T>C]CCTCATCAATCTAAAAAAAGAAAATGGGAAATCAGACCAATTATTCTGGTATAAACATAT-3'
Protein context (NP_001360.1, residues 2187-2207): DMNLSKLIDE[Asp2197Gly]EPLFLSLIED